The following is an entry in ClinVar:

NC_000005.10:g.112707491C>T

Genes: APC (APC regulator of Wnt signaling pathway; plus strand), LOC129994371 (ATAC-STARR-seq lymphoblastoid active region 22910; plus strand). Cytogenetic location: 5q22.2.
Variant type: single nucleotide variant.
Genome position: GRCh38 VCF-style: chr5-112707491-C-T. GRCh37 (hg19) VCF-style: chr5-112043188-C-T.
Identifiers: ClinVar variation 3689934 (VCV003689934.2).

ClinVar aggregate classification (germline): Uncertain significance (1 of 4 stars; one submission).

Conditions:
Familial adenomatous polyposis 1 (FAP1). Also called: POLYPOSIS, ADENOMATOUS INTESTINAL; FAMILIAL ADENOMATOUS POLYPOSIS 1, ATTENUATED. Identifiers: MedGen C2713442, MONDO:0021056, OMIM 175100. Disease mechanism: loss of function.

Submission:

Labcorp Genetics (formerly Invitae), Labcorp
Classification: Uncertain significance for Familial adenomatous polyposis 1. Last evaluated: 2024-12-15. Review status: criteria provided, single submitter. Criteria: Invitae Variant Classification Sherloc (09022015). Collection method: clinical testing. Allele origin: germline.
Comment: This variant occurs in a non-coding region of the APC gene. It does not change the encoded amino acid sequence of the APC protein. This variant is not present in population databases (gnomAD no frequency). This variant has not been reported in the literature in individuals affected with APC-related conditions. Experimental studies and prediction algorithms are not available or were not evaluated, and the functional significance of this variant is currently unknown. In summary, the available evidence is currently insufficient to determine the role of this variant in disease. Therefore, it has been classified as a Variant of Uncertain Significance.